The following is an entry in ClinVar:

ClinVar aggregate classification (germline): Likely benign (0 of 4 stars; one submission).

Conditions:
CEP170B-related disorder. Also called: CEP170B-related condition.

Allele frequency attached by ClinVar (database versions not stated): ExAC 0.00068; gnomAD 0.00142; ESP Exome Variant Server 0.00146; 1000 Genomes Project 30x 0.00156; 1000 Genomes Project 0.00180.
gnomAD v4.1: 360 of 1,579,286 alleles (0.023%); highest among the groups gnomAD compares: African/African-American, 0.44%; 2 homozygotes.

Submission:

PreventionGenetics, part of Exact Sciences
Classification: Likely benign for CEP170B-related condition. Last evaluated: 2019-11-06. Review status: no assertion criteria provided. Collection method: clinical testing. Allele origin: germline.
Comment: This variant is classified as likely benign based on ACMG/AMP sequence variant interpretation guidelines (Richards et al. 2015 PMID: 25741868, with internal and published modifications).

NM_001112726.3(CEP170B):c.4659G>C (p.Leu1553=)

Gene: CEP170B (centrosomal protein 170B; plus strand). Cytogenetic location: 14q32.33.
Variant type: single nucleotide variant.
Coding change: c.4659G>C on transcript NM_001112726.3 (MANE Select); coding-DNA position 4659, G replaced by C.
Protein change: p.Leu1553=; no amino-acid change (leucine 1553 retained).
Molecular consequence: synonymous variant.
Genome position (GRCh38, 1-based): chr14:104,894,952, G>C. VCF-style: chr14-104894952-G-C. GRCh37 (hg19) VCF-style: chr14-105361289-G-C.
Other names: c.4554G>C, p.Leu1518= (NM_015005.3).
Identifiers: ClinVar variation 3045702 (VCV003045702.2), dbSNP rs202094112, ClinGen allele CA7376582.